The following is an entry in ClinVar:

ClinVar aggregate classification (germline): Conflicting classifications of pathogenicity. Review status: criteria provided, conflicting classifications (1 of 4 stars). 2 submissions from 2 submitters: Uncertain significance (1); Likely benign (1). Last evaluated 2026-05-18.

Conditions:
Hereditary cancer-predisposing syndrome. Also called: Hereditary neoplastic syndrome; Neoplastic Syndromes, Hereditary; Tumor predisposition; Hereditary Cancer Syndrome. Identifiers: Orphanet 140162, MedGen C0027672, MeSH D009386, MONDO:0015356.
Retinoblastoma (RB1). Also called: RETINOBLASTOMA, SOMATIC. Identifiers: Orphanet 790, MedGen C0035335, MeSH D012175, MONDO:0008380, OMIM 180200, HP:0009919. Disease mechanism: loss of function. Inheritance: Both sporadic and heritable forms are tested..

Submissions (2):

Ambry Genetics
Classification: Likely benign for Hereditary cancer-predisposing syndrome. Last evaluated: 2026-05-18. Review status: criteria provided, single submitter. Criteria: Ambry Variant Classification Scheme 2023. Collection method: clinical testing. Allele origin: germline.

Labcorp Genetics (formerly Invitae), Labcorp
Classification: Uncertain significance for Retinoblastoma. Last evaluated: 2020-09-02. Review status: criteria provided, single submitter. Criteria: Invitae Variant Classification Sherloc (09022015). Collection method: clinical testing. Allele origin: germline.
Comment: In summary, the available evidence is currently insufficient to determine the role of this variant in disease. Therefore, it has been classified as a Variant of Uncertain Significance. Algorithms developed to predict the effect of missense changes on protein structure and function output the following: SIFT: "Tolerated"; PolyPhen-2: "Benign"; Align-GVGD: "Class C0". The leucine amino acid residue is found in multiple mammalian species, suggesting that this missense change does not adversely affect protein function. These predictions have not been confirmed by published functional studies and their clinical significance is uncertain. This variant has not been reported in the literature in individuals with RB1-related conditions. This variant is not present in population databases (ExAC no frequency). This sequence change replaces phenylalanine with leucine at codon 159 of the RB1 protein (p.Phe159Leu). The phenylalanine residue is weakly conserved and there is a small physicochemical difference between phenylalanine and leucine.

NM_000321.3(RB1):c.477T>A (p.Phe159Leu)

Gene: RB1 (RB transcriptional corepressor 1; plus strand). Cytogenetic location: 13q14.2.
Variant type: single nucleotide variant.
Coding change: c.477T>A on transcript NM_000321.3 (MANE Select); coding-DNA position 477, T replaced by A.
Protein change: p.Phe159Leu; replaces phenylalanine 159 with leucine.
Molecular consequence: missense variant.
Genome position (GRCh38, 1-based): chr13:48,345,176, T>A. VCF-style: chr13-48345176-T-A. GRCh37 (hg19) VCF-style: chr13-48919312-T-A.
Other names: short protein forms F159L.
Identifiers: ClinVar variation 1027153 (VCV001027153.12), dbSNP rs1952481513, ClinGen allele CA388252810.